The following is an entry in ClinVar:

ClinVar aggregate classification (germline): Uncertain significance. Review status: criteria provided, multiple submitters, no conflicts (2 of 4 stars). 3 submissions from 3 submitters: Uncertain significance (3). Last evaluated 2025-10-12.

Allele frequency attached by ClinVar (database versions not stated): gnomAD 0.00004 and 0.00005; gnomAD exomes 0.00004; TOPMed 0.00006; ExAC 0.00007.
gnomAD v4.1: 66 of 1,610,042 alleles (0.0041%); highest among the groups gnomAD compares: African/African-American, 0.015%; no homozygotes.

Submissions (3):

Labcorp Genetics (formerly Invitae), Labcorp
Classification: Uncertain significance. Last evaluated: 2025-10-12. Review status: criteria provided, single submitter. Criteria: Invitae Variant Classification Sherloc (09022015). Collection method: clinical testing. Allele origin: germline.
Comment: This sequence change replaces arginine, which is basic and polar, with glutamine, which is neutral and polar, at codon 441 of the ANLN protein (p.Arg441Gln). This variant is present in population databases (rs754339445, gnomAD 0.03%). This variant has not been reported in the literature in individuals affected with ANLN-related conditions. ClinVar contains an entry for this variant (Variation ID: 1450400). Invitae Evidence Modeling of protein sequence and biophysical properties (such as structural, functional, and spatial information, amino acid conservation, physicochemical variation, residue mobility, and thermodynamic stability) indicates that this missense variant is not expected to disrupt ANLN protein function with a negative predictive value of 80%. In summary, the available evidence is currently insufficient to determine the role of this variant in disease. Therefore, it has been classified as a Variant of Uncertain Significance.

Ambry Genetics
Classification: Uncertain significance. Last evaluated: 2023-11-21. Review status: criteria provided, single submitter. Criteria: Ambry Variant Classification Scheme 2023. Collection method: clinical testing. Allele origin: germline.

Blueprint Genetics
Classification: Uncertain significance. Last evaluated: 2023-04-19. Review status: criteria provided, single submitter. Criteria: ACMG Guidelines, 2015. Collection method: clinical testing. Allele origin: germline.

NM_018685.5(ANLN):c.1322G>A (p.Arg441Gln)

Gene: ANLN (anillin, actin binding protein; plus strand). Cytogenetic location: 7p14.2.
Variant type: single nucleotide variant.
Coding change: c.1322G>A on transcript NM_018685.5 (MANE Select); coding-DNA position 1322, G replaced by A.
Protein change: p.Arg441Gln; replaces arginine 441 with glutamine.
Molecular consequence: missense variant.
Genome position (GRCh38, 1-based): chr7:36,411,093, G>A. VCF-style: chr7-36411093-G-A. GRCh37 (hg19) VCF-style: chr7-36450702-G-A.
Other names: c.1322G>A (NM_018685.2); c.1322G>A, p.Arg441Gln (NM_001284301.3, NM_001284302.3); short protein forms R441Q.
Identifiers: ClinVar variation 1450400 (VCV001450400.10), dbSNP rs754339445, ClinGen allele CA4219565.